The following is an entry in ClinVar:

NM_000535.6(PMS2):c.1688_1732del45ins46 (p.?)

Gene: PMS2 (PMS1 homolog 2, mismatch repair system component; minus strand). Cytogenetic location: 7p22.1.
Variant type: Indel.
Coding change: c.1688_1732del45ins46 on transcript NM_000535.6; coding-DNA positions 1688 to 1732, 45 bases deleted.
Protein change: p.?.
Identifiers: ClinVar variation 545866 (VCV000545866.2).

ClinVar aggregate classification (germline): Pathogenic (1 of 4 stars; one submission).

Submission:

GeneDx
Classification: Pathogenic. Last evaluated: 2018-01-09. Review status: criteria provided, single submitter. Criteria: GeneDx Variant Classification (06012015). Collection method: clinical testing. Allele origin: germline. Affected: yes.
Comment: This combined deletion and insertion is denoted PMS2 c.1688_1732del45ins46 at the cDNA level and p.Arg563GlnfsX18 (R563QfsX18) at the protein level. The surrounding sequence is TTTC[del45][ins46]GTTT. The variant causes a frameshift which changes an Arginine to a Glutamine at codon 563, and creates a premature stop codon at position 18 of the new reading frame. Although this variant has not, to our knowledge, been reported in the literature, it is predicted to cause loss of normal protein function through either protein truncation or nonsense-mediated mRNA decay. Based on currently available evidence, we consider this variant to be pathogenic.